The following is an entry in ClinVar:

ClinVar aggregate classification (germline): not provided (0 of 4 stars; one submission).

Conditions:
Large for gestational age. Identifiers: MedGen C1848395, HP:0001520.

Submission:

Institute of Molecular and Cell Biology, University of Tartu
No classification provided. Condition: Large for gestational age. Review status: no classification provided. Collection method: case-control. Allele origin: unknown. Affected: yes. Study: Kasak2014.
Comment: The study aimed to determine the contribution of copy number variants in the genetic etiology of normal and complicated pregnancies. The samples represented (i) maternal blood DNA drawn from healthy pregnant women during 1st or 2nd trimester and (ii) maternal and paternal blood DNA drawn at term pregnancy cases representing normal and complicated gestations (severe preeclampsia, PE; gestational diabetes, GD; small-for-gestational age newborn, SGA; large-for-gestational age newborn, LGA). We performed CNV calling based on genome-wide genotyping dataset (Illumina HumanOmniExpress-24-v1 BeadChip) by applying three algorithms, QuantiSNP, GADA (Genome Alteration Detection Algorithm) and CNstream in parallel. The acquired CNV calls were merged with HD-CNV (Hotspot Detector for Copy Number Variants) program and only the CNVs predicted by at least two programs, were considered in subsequent analysis.

Literature cited by the submitters: PubMed 25666259.

NC_000018.10:g.67581284_68022952dup

Genes: DSEL-AS1 (DSEL antisense RNA 1; plus strand), LINC01903 (long intergenic non-protein coding RNA 1903; minus strand), LOC105372173 (uncharacterized LOC105372173; minus strand). Cytogenetic location: 18q22.1.
Variant type: Duplication.
Identifiers: ClinVar variation 157419 (VCV000157419.2).